The following is an entry in ClinVar:

ClinVar aggregate classification (germline): Uncertain significance. Review status: criteria provided, multiple submitters, no conflicts (2 of 4 stars). 2 submissions from 2 submitters: Uncertain significance (2). Last evaluated 2026-01-12.

Conditions:
Inborn genetic diseases. Identifiers: MedGen C0950123, MeSH D030342.

Allele frequency attached by ClinVar (database versions not stated): gnomAD exomes 0.00001 and 0.00002; ExAC 0.00002; gnomAD 0.00011; TOPMed 0.00011.
gnomAD v4.1: 45 of 1,613,496 alleles (0.0028%); highest among the groups gnomAD compares: African/African-American, 0.027%; no homozygotes.

Submissions (2):

Labcorp Genetics (formerly Invitae), Labcorp
Classification: Uncertain significance. Last evaluated: 2026-01-12. Review status: criteria provided, single submitter. Criteria: Invitae Variant Classification Sherloc (09022015). Collection method: clinical testing. Allele origin: germline.
Comment: This sequence change replaces alanine, which is neutral and non-polar, with threonine, which is neutral and polar, at codon 377 of the GPAA1 protein (p.Ala377Thr). The frequency data for this variant in the population databases is considered unreliable, as metrics indicate poor data quality at this position in the gnomAD database. This variant has not been reported in the literature in individuals affected with GPAA1-related conditions. ClinVar contains an entry for this variant (Variation ID: 1438365). Invitae Evidence Modeling of protein sequence and biophysical properties (such as structural, functional, and spatial information, amino acid conservation, physicochemical variation, residue mobility, and thermodynamic stability) indicates that this missense variant is not expected to disrupt GPAA1 protein function with a negative predictive value of 80%. In summary, the available evidence is currently insufficient to determine the role of this variant in disease. Therefore, it has been classified as a Variant of Uncertain Significance.

Ambry Genetics
Classification: Uncertain significance for Inborn genetic diseases. Last evaluated: 2021-06-09. Review status: criteria provided, single submitter. Criteria: Ambry Variant Classification Scheme 2023. Collection method: clinical testing. Allele origin: germline.

NM_003801.4(GPAA1):c.1129G>A (p.Ala377Thr)

Gene: GPAA1 (glycosylphosphatidylinositol anchor attachment 1; plus strand). Cytogenetic location: 8q24.3.
Variant type: single nucleotide variant.
Coding change: c.1129G>A on transcript NM_003801.4 (MANE Select); coding-DNA position 1129, G replaced by A.
Protein change: p.Ala377Thr; replaces alanine 377 with threonine.
Molecular consequence: missense variant.
Genome position (GRCh38, 1-based): chr8:144,084,840, G>A. VCF-style: chr8-144084840-G-A. GRCh37 (hg19) VCF-style: chr8-145139743-G-A.
Other names: c.1129G>A (NM_003801.3); short protein forms A377T.
Identifiers: ClinVar variation 1438365 (VCV001438365.5), dbSNP rs782414741, ClinGen allele CA4933053.